The following is an entry in ClinVar:

NM_000540.3(RYR1):c.14807T>G (p.Leu4936Arg)

Gene: RYR1 (ryanodine receptor 1; plus strand). Cytogenetic location: 19q13.2.
Variant type: single nucleotide variant.
Coding change: c.14807T>G on transcript NM_000540.3 (MANE Select); coding-DNA position 14807, T replaced by G.
Protein change: p.Leu4936Arg; replaces leucine 4936 with arginine.
Molecular consequence: missense variant.
Genome position (GRCh38, 1-based): chr19:38,585,941, T>G. VCF-style: chr19-38585941-T-G. GRCh37 (hg19) VCF-style: chr19-39076581-T-G.
Other names: c.14792T>G, p.Leu4931Arg (NM_001042723.2); short protein forms L4936R, L4931R.
Identifiers: ClinVar variation 590473 (VCV000590473.7), dbSNP rs1568613061, ClinGen allele CA405692133.

ClinVar aggregate classification (germline): Pathogenic/Likely pathogenic. Review status: criteria provided, multiple submitters, no conflicts (2 of 4 stars). 2 submissions from 2 submitters: Pathogenic (1); Likely pathogenic (1). Last evaluated 2021-10-11.

Conditions:
RYR1-related disorder. Also called: RYR1-related disorders; RYR1-related condition. Identifiers: MedGen CN239331.

Submissions (2):

Labcorp Genetics (formerly Invitae), Labcorp
Classification: Pathogenic for RYR1-related disorder. Last evaluated: 2021-10-11. Review status: criteria provided, single submitter. Criteria: Invitae Variant Classification Sherloc (09022015). Collection method: clinical testing. Allele origin: germline.
Comment: ClinVar contains an entry for this variant (Variation ID: 590473). This sequence change replaces leucine with arginine at codon 4936 of the RYR1 protein (p.Leu4936Arg). The leucine residue is highly conserved and there is a moderate physicochemical difference between leucine and arginine. This variant is not present in population databases (ExAC no frequency). This missense change has been observed in individual(s) with clinical features of autosomal dominant RYR1-related conditions (PMID: 23919265, 30155738). In at least one individual the variant was observed to be de novo. Advanced modeling of protein sequence and biophysical properties (such as structural, functional, and spatial information, amino acid conservation, physicochemical variation, residue mobility, and thermodynamic stability) performed at Invitae indicates that this missense variant is expected to disrupt RYR1 protein function. For these reasons, this variant has been classified as Pathogenic.

PreventionGenetics, part of Exact Sciences
Classification: Likely pathogenic. Last evaluated: 2018-04-10. Review status: criteria provided, single submitter. Criteria: ACMG Guidelines, 2015. Collection method: clinical testing. Allele origin: germline.

Literature cited by the submitters: PubMed 23919265 (cited by Labcorp Genetics (formerly Invitae), Labcorp); PubMed 30155738 (cited by Labcorp Genetics (formerly Invitae), Labcorp).